The following is an entry in ClinVar:

NM_002474.3(MYH11):c.2006G>A (p.Arg669His)

Gene: MYH11 (myosin heavy chain 11; minus strand). Cytogenetic location: 16p13.11.
Variant type: single nucleotide variant.
Coding change: c.2006G>A on transcript NM_002474.3 (MANE Select); coding-DNA position 2006, G replaced by A.
Protein change: p.Arg669His; replaces arginine 669 with histidine.
Molecular consequence: missense variant.
Genome position (GRCh38, 1-based): chr16:15,750,190, C>T on the plus strand (G>A on the coding strand, the complement: MYH11 is on the minus strand). VCF-style: chr16-15750190-C-T. GRCh37 (hg19) VCF-style: chr16-15844047-C-T.
Other names: c.2027G>A, p.Arg676His (NM_001040113.2, NM_001040114.2); c.2006G>A, p.Arg669His (NM_022844.3); short protein forms R676H, R669H.
Identifiers: ClinVar variation 2773851 (VCV002773851.2), dbSNP rs760656490, ClinGen allele CA7922454.

ClinVar aggregate classification (germline): Uncertain significance (1 of 4 stars; one submission).

Conditions:
Familial thoracic aortic aneurysm and aortic dissection (TAAD). Also called: Thoracic aortic aneurysms and dissections. Identifiers: Orphanet 91387, MedGen C4707243, MONDO:0019625.

gnomAD v4.1: 7 of 1,614,214 alleles (0.00043%); highest among the groups gnomAD compares: South Asian, 0.0022%; no homozygotes.

Submission:

Color Diagnostics, LLC DBA Color Health
Classification: Uncertain significance for Familial thoracic aortic aneurysm and aortic dissection. Last evaluated: 2023-12-05. Review status: criteria provided, single submitter. Criteria: ACMG Guidelines, 2015. Collection method: clinical testing. Allele origin: germline.
Comment: This missense variant replaces arginine with histidine at codon 676 of the MYH11 protein. Computational prediction tool indicates that this variant may have an uncertain impact on protein structure and function. To our knowledge, functional studies have not been reported for this variant. This variant has not been reported in individuals affected with MYH11-related disorders in the literature. This variant has been identified in 3/251360 chromosomes in the general population by the Genome Aggregation Database (gnomAD). The available evidence is insufficient to determine the role of this variant in disease conclusively. Therefore, this variant is classified as a Variant of Uncertain Significance.